The following is an entry in ClinVar:

NM_005120.3(MED12):c.1273dup (p.Glu425fs)

Gene: MED12 (mediator complex subunit 12; plus strand). Cytogenetic location: Xq13.1.
Variant type: Duplication.
Coding change: c.1273dup on transcript NM_005120.3 (MANE Select); coding-DNA position 1273, one base duplicated (G; older notation c.1273dupG).
Protein change: p.Glu425fs; shifts the reading frame from glutamic acid 425.
Molecular consequence: frameshift variant.
Genome position (GRCh38, 1-based): chrX:71,122,532, G duplicated. VCF-style (leftmost placement, unchanged base first): chrX-71122531-C-CG. GRCh37 (hg19) VCF-style: chrX-70342381-C-CG.
Other names: c.1273dupG (NM_005120.2); short protein forms E425fs.
Identifiers: ClinVar variation 420853 (VCV000420853.3), dbSNP rs1556334780, ClinGen allele CA16621487.

ClinVar aggregate classification (germline): Likely pathogenic (1 of 4 stars; one submission).

Submission:

GeneDx
Classification: Likely pathogenic. Last evaluated: 2020-11-04. Review status: criteria provided, single submitter. Criteria: GeneDx Variant Classification Process June 2021. Collection method: clinical testing. Allele origin: germline. Affected: yes.
Comment: Frameshift variant predicted to result in protein truncation or nonsense mediated decay in a gene for which loss-of-function is a known mechanism of disease; Not observed in large population cohorts (Lek et al., 2016)